The following is an entry in ClinVar:

NM_016356.5(DCDC2):c.76G>C (p.Asp26His)

Genes: DCDC2 (doublecortin domain containing 2; minus strand), KAAG1 (kidney associated DCDC2 antisense RNA 1; plus strand). Cytogenetic location: 6p22.3.
Variant type: single nucleotide variant.
Coding change: c.76G>C on transcript NM_016356.5 (MANE Select); coding-DNA position 76, G replaced by C.
Protein change: p.Asp26His; replaces aspartic acid 26 with histidine.
Molecular consequence: missense variant. On other transcripts: non-coding transcript variant (1).
Genome position (GRCh38, 1-based): chr6:24,357,675, C>G on the plus strand (G>C on the coding strand, the complement: DCDC2 is on the minus strand). VCF-style: chr6-24357675-C-G. GRCh37 (hg19) VCF-style: chr6-24357903-C-G.
Other names: c.76G>C, p.Asp26His (NM_001195610.2); short protein forms D26H.
Identifiers: ClinVar variation 3028896 (VCV003028896.2), dbSNP rs2532474939, ClinGen allele CA363279312.

ClinVar aggregate classification (germline): Likely pathogenic (1 of 4 stars; one submission).

Conditions:
Isolated neonatal sclerosing cholangitis (NSC). Also called: Sclerosing cholangitis, neonatal. Identifiers: Orphanet 480556, MedGen C4479344, MONDO:0018816, OMIM 617394.

Submission:

Human Genetics Section, Sidra Medicine
Classification: Likely pathogenic for Isolated neonatal sclerosing cholangitis. Last evaluated: 2024-02-28. Review status: criteria provided, single submitter. Criteria: ACMG Guidelines, 2015. Collection method: research. Allele origin: germline. Affected: yes. Observed: 1 variant allele.
Comment: This variant was determined to be likely pathogenic according to ACMG Guidelines